The following is an entry in ClinVar:

ClinVar aggregate classification (germline): Uncertain significance (1 of 4 stars; one submission).

Submission:

GeneDx
Classification: Uncertain significance. Last evaluated: 2018-06-04. Review status: criteria provided, single submitter. Criteria: GeneDx Variant Classification (06012015). Collection method: clinical testing. Allele origin: germline. Affected: yes.
Comment: The L177V variant has not been published as a pathogenic variant, nor has it been reported as a benign variant to our knowledge. The L177V variant is not observed in large population cohorts (Lek et al., 2016). The L177V variant is a conservative amino acid substitution, which is not likely to impact secondary protein structure as these residues share similar properties. In-silico analyses, including protein predictors and evolutionary conservation, support that this variant does not alter protein structure/function. Therefore, based on the currently available information, it is unclear whether this variant is a pathogenic variant or a rare benign variant

NM_000156.6(GAMT):c.529C>G (p.Leu177Val)

Gene: GAMT (guanidinoacetate N-methyltransferase; minus strand). Cytogenetic location: 19p13.3.
Variant type: single nucleotide variant.
Coding change: c.529C>G on transcript NM_000156.6 (MANE Select); coding-DNA position 529, C replaced by G.
Protein change: p.Leu177Val; replaces leucine 177 with valine.
Molecular consequence: missense variant.
Genome position (GRCh38, 1-based): chr19:1,398,957, G>C on the plus strand (C>G on the coding strand, the complement: GAMT is on the minus strand). VCF-style: chr19-1398957-G-C. GRCh37 (hg19) VCF-style: chr19-1398956-G-C.
Other names: c.529C>G, p.Leu177Val (NM_138924.3); short protein forms L177V.
Identifiers: ClinVar variation 546535 (VCV000546535.2), dbSNP rs750356640, ClinGen allele CA402994325.
Genomic context (GRCh38, chr19:1,398,957, plus strand): 5'-GAACTTCAGGTGGGCGCACCTCAAACATGATGGTGATGTCTGAGTACTTGGACTTCATCA[G>C]CTCCCCCCAGGAGGTGAGGTTGCAGTAGGTGAGGACGCCCCCCGGCTTCAGCAGGCGAAA-3'
Protein context (NP_000147.1, residues 167-187): TYCNLTSWGE[Leu177Val]MKSKYSDITI